The following is an entry in ClinVar:

NM_001283009.2(RTEL1):c.1924A>C (p.Ile642Leu)

Genes: RTEL1 (regulator of telomere elongation helicase 1; plus strand), RTEL1-TNFRSF6B (RTEL1-TNFRSF6B readthrough (NMD candidate); plus strand). Cytogenetic location: 20q13.33.
Variant type: single nucleotide variant.
Coding change: c.1924A>C on transcript NM_001283009.2 (MANE Select); coding-DNA position 1924, A replaced by C.
Protein change: p.Ile642Leu; replaces isoleucine 642 with leucine.
Molecular consequence: missense variant. On other transcripts: non-coding transcript variant (1).
Genome position (GRCh38, 1-based): chr20:63,689,547, A>C. VCF-style: chr20-63689547-A-C. GRCh37 (hg19) VCF-style: chr20-62320900-A-C.
Other names: c.1255A>C, p.Ile419Leu (NM_001283010.1); c.1924A>C, p.Ile642Leu (NM_016434.4); c.1996A>C, p.Ile666Leu (NM_032957.5); short protein forms I419L, I642L, I666L.
Identifiers: ClinVar variation 3757414 (VCV003757414.2).
Genomic context (GRCh38, chr20:63,689,547, plus strand): 5'-TGGTGTGTCCCCTAGGCCAGCGAGGGGCTGGACTTCTCAGACACGAATGGCCGTGGTGTG[A>C]TTGTCACGGGCCTCCCGTACCCCCCACGCATGGACCCCCGGGTTGTCCTCAAGATGCAGT-3'
Protein context (NP_001269938.1, residues 632-652): DFSDTNGRGV[Ile642Leu]VTGLPYPPRM

ClinVar aggregate classification (germline): Uncertain significance (1 of 4 stars; one submission).

Conditions:
Pulmonary fibrosis and/or bone marrow failure, Telomere-related, 3. Also called: PULMONARY FIBROSIS AND/OR BONE MARROW FAILURE SYNDROME, TELOMERE-RELATED, 3. Identifiers: Orphanet 2032, MedGen C4225346, MONDO:0014613, OMIM 616373.
Dyskeratosis congenita, autosomal recessive 5 (DKCB5). Identifiers: MedGen C3554656, MONDO:0014076, OMIM 615190.

Submission:

Labcorp Genetics (formerly Invitae), Labcorp
Classification: Uncertain significance for Dyskeratosis congenita, autosomal recessive 5; Pulmonary fibrosis and/or bone marrow failure, Telomere-related, 3. Last evaluated: 2024-08-01. Review status: criteria provided, single submitter. Criteria: Invitae Variant Classification Sherloc (09022015). Collection method: clinical testing. Allele origin: germline.
Comment: This sequence change replaces isoleucine, which is neutral and non-polar, with leucine, which is neutral and non-polar, at codon 642 of the RTEL1 protein (p.Ile642Leu). This variant is not present in population databases (gnomAD no frequency). This variant has not been reported in the literature in individuals affected with RTEL1-related conditions. An algorithm developed to predict the effect of missense changes on protein structure and function (PolyPhen-2) suggests that this variant is likely to be tolerated. In summary, the available evidence is currently insufficient to determine the role of this variant in disease. Therefore, it has been classified as a Variant of Uncertain Significance.